The following is an entry in ClinVar:

ClinVar aggregate classification (germline): Uncertain significance (1 of 4 stars; one submission).

Submission:

CeGaT Center for Human Genetics Tuebingen
Classification: Uncertain significance. Last evaluated: 2026-03-01. Review status: criteria provided, single submitter. Criteria: CeGaT Center For Human Genetics Tuebingen Variant Classification Criteria Version 2. Collection method: clinical testing. Allele origin: germline. Affected: yes. Observed: 1 variant allele.
Comment: MED14: PM2, PP3

NM_004229.4(MED14):c.782-7A>G

Gene: MED14 (mediator complex subunit 14; minus strand). Cytogenetic location: Xp11.4.
Variant type: single nucleotide variant.
Coding change: c.782-7A>G on transcript NM_004229.4 (MANE Select); 7 bases into the intron before coding-DNA position 782, A replaced by G.
Molecular consequence: intron variant.
Genome position (GRCh38, 1-based): chrX:40,712,300, T>C on the plus strand (A>G on the coding strand, the complement: MED14 is on the minus strand). VCF-style: chrX-40712300-T-C. GRCh37 (hg19) VCF-style: chrX-40571552-T-C.
Identifiers: ClinVar variation 4823638 (VCV004823638.4).